The following is an entry in ClinVar:

NM_003072.5(SMARCA4):c.3057T>G (p.Thr1019=)

Gene: SMARCA4 (SWI/SNF related BAF chromatin remodeling complex subunit ATPase 4; plus strand). Cytogenetic location: 19p13.2.
Variant type: single nucleotide variant.
Coding change: c.3057T>G on transcript NM_003072.5 (MANE Select); coding-DNA position 3057, T replaced by G.
Protein change: p.Thr1019=; no amino-acid change (threonine 1019 retained).
Molecular consequence: synonymous variant. On other transcripts: non-coding transcript variant (1).
Genome position (GRCh38, 1-based): chr19:11,024,414, T>G. VCF-style: chr19-11024414-T-G. GRCh37 (hg19) VCF-style: chr19-11135090-T-G.
Other names: c.3057T>G, p.Thr1019= (NM_001128844.3, NM_001128845.2, NM_001128846.2 and 5 more transcripts).
Identifiers: ClinVar variation 537883 (VCV000537883.11), dbSNP rs1288420421, ClinGen allele CA505490730.

ClinVar aggregate classification (germline): Benign/Likely benign. Review status: criteria provided, multiple submitters, no conflicts (2 of 4 stars). 3 submissions from 3 submitters: Benign (1); Likely benign (2). Last evaluated 2026-07-14.

Conditions:
Rhabdoid tumor predisposition syndrome 2 (RTPS2). Identifiers: Orphanet 231108, Orphanet 69077, MedGen C2750074, MONDO:0013224, OMIM 613325.
Hereditary cancer-predisposing syndrome. Also called: Tumor predisposition; Neoplastic Syndromes, Hereditary; Hereditary Cancer Syndrome; Hereditary neoplastic syndrome. Identifiers: Orphanet 140162, MedGen C0027672, MeSH D009386, MONDO:0015356.

Allele frequency attached by ClinVar (database versions not stated): TOPMed below 0.00001; gnomAD exomes below 0.00001.
gnomAD v4.1: 20 of 1,612,494 alleles (0.0012%); highest among the groups gnomAD compares: Non-Finnish European, 0.0016%; no homozygotes.

Submissions (3):

Myriad Genetics, Inc.
Classification: Benign for Rhabdoid tumor predisposition syndrome 2. Last evaluated: 2026-07-14. Review status: criteria provided, single submitter. Criteria: Myriad Autosomal Dominant, Autosomal Recessive and X-Linked Classification Criteria (2023). Collection method: clinical testing. Allele origin: unknown.
Comment: This variant is considered benign. This variant is a silent/synonymous amino acid change and it is not expected to impact splicing.

Labcorp Genetics (formerly Invitae), Labcorp
Classification: Likely benign for Rhabdoid tumor predisposition syndrome 2. Last evaluated: 2025-12-19. Review status: criteria provided, single submitter. Criteria: Invitae Variant Classification Sherloc (09022015). Collection method: clinical testing. Allele origin: germline.

Ambry Genetics
Classification: Likely benign for Hereditary cancer-predisposing syndrome. Last evaluated: 2019-12-11. Review status: criteria provided, single submitter. Criteria: Ambry Variant Classification Scheme 2023. Collection method: clinical testing. Allele origin: germline.